The following is an entry in ClinVar:

NM_001371986.1(UNC80):c.1180G>C (p.Val394Leu)

Gene: UNC80 (unc-80 subunit of NALCN channel complex; plus strand). Cytogenetic location: 2q34.
Variant type: single nucleotide variant.
Coding change: c.1180G>C on transcript NM_001371986.1 (MANE Select); coding-DNA position 1180, G replaced by C.
Protein change: p.Val394Leu; replaces valine 394 with leucine.
Molecular consequence: missense variant.
Genome position (GRCh38, 1-based): chr2:209,813,821, G>C. VCF-style: chr2-209813821-G-C. GRCh37 (hg19) VCF-style: chr2-210678545-G-C.
Other names: c.1180G>C, p.Val394Leu (NM_032504.2, NM_182587.4); short protein forms V394L.
Identifiers: ClinVar variation 1973371 (VCV001973371.5), dbSNP rs2470958305, ClinGen allele CA350133581.

ClinVar aggregate classification (germline): Uncertain significance (1 of 4 stars; one submission).

Allele frequency attached by ClinVar (database versions not stated): gnomAD exomes below 0.00001.
gnomAD v4.1: 1 of 1,551,990 alleles (0.000064%); highest among the groups gnomAD compares: Non-Finnish European, 0.000087%; no homozygotes.

Submission:

Labcorp Genetics (formerly Invitae), Labcorp
Classification: Uncertain significance. Last evaluated: 2022-05-08. Review status: criteria provided, single submitter. Criteria: Invitae Variant Classification Sherloc (09022015). Collection method: clinical testing. Allele origin: germline.
Comment: Algorithms developed to predict the effect of missense changes on protein structure and function are either unavailable or do not agree on the potential impact of this missense change (SIFT: "Not Available"; PolyPhen-2: "Possibly Damaging"; Align-GVGD: "Not Available"). In summary, the available evidence is currently insufficient to determine the role of this variant in disease. Therefore, it has been classified as a Variant of Uncertain Significance. This variant has not been reported in the literature in individuals affected with UNC80-related conditions. This variant is not present in population databases (gnomAD no frequency). This sequence change replaces valine, which is neutral and non-polar, with leucine, which is neutral and non-polar, at codon 394 of the UNC80 protein (p.Val394Leu).